The following is an entry in ClinVar:

NM_020975.6(RET):c.3164C>T (p.Thr1055Ile)

Gene: RET (ret proto-oncogene; plus strand). Cytogenetic location: 10q11.21.
Variant type: single nucleotide variant.
Coding change: c.3164C>T on transcript NM_020975.6 (MANE Select); coding-DNA position 3164, C replaced by T.
Protein change: p.Thr1055Ile; replaces threonine 1055 with isoleucine.
Molecular consequence: missense variant. On other transcripts: intron variant (4).
Genome position (GRCh38, 1-based): chr10:43,126,699, C>T. VCF-style: chr10-43126699-C-T. GRCh37 (hg19) VCF-style: chr10-43622147-C-T.
Other names: c.2402C>T, p.Thr801Ile (NM_001355216.2); c.3164C>T, p.Thr1055Ile (NM_001406743.1, NM_001406744.1, NM_020630.7); c.3035C>T, p.Thr1012Ile (NM_001406761.1, NM_001406762.1, NM_001406764.1); c.3029C>T, p.Thr1010Ile (NM_001406763.1, NM_001406765.1); c.2876C>T, p.Thr959Ile (NM_001406766.1, NM_001406767.1, NM_001406770.1); c.2900C>T, p.Thr967Ile (NM_001406768.1); c.2768C>T, p.Thr923Ile (NM_001406769.1, NM_001406772.1); c.2726C>T, p.Thr909Ile (NM_001406771.1, NM_001406773.1); and 13 more; short protein forms T1010I, T1012I, T1055I, T572I, T620I, T660I, T711I, T713I.
Identifiers: ClinVar variation 3387608 (VCV003387608.2).

ClinVar aggregate classification (germline): Uncertain significance. Review status: criteria provided, multiple submitters, no conflicts (2 of 4 stars). 2 submissions from 2 submitters: Uncertain significance (2). Last evaluated 2024-08-13.

Conditions:
Multiple endocrine neoplasia, type 2 (MEN2). Identifiers: Orphanet 653, MedGen C4048306, MONDO:0019003. Disease mechanism: gain of function.
Hereditary cancer-predisposing syndrome. Also called: Neoplastic Syndromes, Hereditary; Hereditary Cancer Syndrome; Tumor predisposition; Hereditary neoplastic syndrome. Identifiers: Orphanet 140162, MedGen C0027672, MeSH D009386, MONDO:0015356.

gnomAD v4.1: 9 of 1,614,062 alleles (0.00056%); highest among the groups gnomAD compares: Non-Finnish European, 0.00076%; no homozygotes.

Submissions (2):

All of Us Research Program, National Institutes of Health
Classification: Uncertain significance for Multiple endocrine neoplasia, type 2. Last evaluated: 2024-08-13. Review status: criteria provided, single submitter. Criteria: ACMG Guidelines, 2015. Collection method: clinical testing. Allele origin: germline. Inheritance: Autosomal dominant inheritance. Observed: 1 variant allele, 1 heterozygote.
Comment: This missense variant replaces threonine with isoleucine at codon 1055 of the RET protein. Computational prediction suggests that this variant may have deleterious impact on protein structure and function (internally defined REVEL score threshold >= 0.7, PMID: 27666373). To our knowledge, functional studies have not been reported for this variant. This variant has not been reported in individuals affected with RET-related disorders in the literature. This variant has not been identified in the general population by the Genome Aggregation Database (gnomAD). The available evidence is insufficient to determine the role of this variant in disease conclusively. Therefore, this variant is classified as a Variant of Uncertain Significance.

This study involves interpretation of variants in research participants for the purpose of population health screening. Participant phenotype was not available at the time of variant classification. Additional details can be found in publication PMID: 35346344, PMCID: PMC8962531

Ambry Genetics
Classification: Uncertain significance for Hereditary cancer-predisposing syndrome. Last evaluated: 2024-07-01. Review status: criteria provided, single submitter. Criteria: Ambry Variant Classification Scheme 2023. Collection method: clinical testing. Allele origin: germline.
Comment: The p.T1055I variant (also known as c.3164C>T), located in coding exon 19 of the RET gene, results from a C to T substitution at nucleotide position 3164. The threonine at codon 1055 is replaced by isoleucine, an amino acid with similar properties. This amino acid position is highly conserved in available vertebrate species. In addition, this alteration is predicted to be deleterious by in silico analysis. Based on the available evidence, the clinical significance of this variant remains unclear.